The following is an entry in ClinVar:

NM_016292.3(TRAP1):c.824C>T (p.Thr275Met)

Gene: TRAP1 (TNF receptor associated protein 1; minus strand). Cytogenetic location: 16p13.3.
Variant type: single nucleotide variant.
Coding change: c.824C>T on transcript NM_016292.3 (MANE Select); coding-DNA position 824, C replaced by T.
Protein change: p.Thr275Met; replaces threonine 275 with methionine.
Molecular consequence: missense variant.
Genome position (GRCh38, 1-based): chr16:3,675,388, G>A on the plus strand (C>T on the coding strand, the complement: TRAP1 is on the minus strand). VCF-style: chr16-3675388-G-A. GRCh37 (hg19) VCF-style: chr16-3725389-G-A.
Other names: c.665C>T, p.Thr222Met (NM_001272049.2); c.824C>T (NM_016292.2); short protein forms T222M, T275M.
Identifiers: ClinVar variation 1438812 (VCV001438812.11), dbSNP rs769027196, ClinGen allele CA7868457.

ClinVar aggregate classification (germline): Uncertain significance. Review status: criteria provided, multiple submitters, no conflicts (2 of 4 stars). 3 submissions from 3 submitters: Uncertain significance (2). 1 of the submissions does not count toward it. Last evaluated 2025-06-09.

Conditions:
TRAP1-related disorder. Also called: TRAP1-related condition.

Allele frequency attached by ClinVar (database versions not stated): gnomAD 0.00001; TOPMed 0.00004; ExAC 0.00006; gnomAD exomes 0.00010.
gnomAD v4.1: 36 of 1,613,872 alleles (0.0022%); highest among the groups gnomAD compares: Admixed American, 0.043%; 1 homozygote.

Submissions (3):

Ambry Genetics
Classification: Uncertain significance. Last evaluated: 2025-06-09. Review status: criteria provided, single submitter. Criteria: Ambry Variant Classification Scheme 2023. Collection method: clinical testing. Allele origin: germline.

Labcorp Genetics (formerly Invitae), Labcorp
Classification: Uncertain significance. Last evaluated: 2025-05-22. Review status: criteria provided, single submitter. Criteria: Invitae Variant Classification Sherloc (09022015). Collection method: clinical testing. Allele origin: germline.
Comment: This sequence change replaces threonine, which is neutral and polar, with methionine, which is neutral and non-polar, at codon 275 of the TRAP1 protein (p.Thr275Met). This variant is present in population databases (rs769027196, gnomAD 0.07%), and has an allele count higher than expected for a pathogenic variant. This variant has not been reported in the literature in individuals affected with TRAP1-related conditions. ClinVar contains an entry for this variant (Variation ID: 1438812). Invitae Evidence Modeling of protein sequence and biophysical properties (such as structural, functional, and spatial information, amino acid conservation, physicochemical variation, residue mobility, and thermodynamic stability) indicates that this missense variant is not expected to disrupt TRAP1 protein function with a negative predictive value of 80%. In summary, the available evidence is currently insufficient to determine the role of this variant in disease. Therefore, it has been classified as a Variant of Uncertain Significance.

PreventionGenetics, part of Exact Sciences
Classification: Uncertain significance for TRAP1-related condition. Last evaluated: 2023-11-29. Review status: no assertion criteria provided. Collection method: clinical testing. Allele origin: germline. Not counted in ClinVar's aggregate classification.
Comment: The TRAP1 c.824C>T variant is predicted to result in the amino acid substitution p.Thr275Met. To our knowledge, this variant has not been reported in the literature. This variant is reported in 0.064% of alleles in individuals of Latino descent in gnomAD. Although we suspect that this variant may be benign, at this time, the clinical significance of this variant is uncertain due to the absence of conclusive functional and genetic evidence.